The following is an entry in ClinVar:

NM_000051.4(ATM):c.3245A>G (p.His1082Arg)

Gene: ATM (ATM serine/threonine kinase; plus strand). Cytogenetic location: 11q22.3.
Variant type: single nucleotide variant.
Coding change: c.3245A>G on transcript NM_000051.4 (MANE Select); coding-DNA position 3245, A replaced by G.
Protein change: p.His1082Arg; replaces histidine 1082 with arginine.
Molecular consequence: missense variant.
Genome position (GRCh38, 1-based): chr11:108,272,813, A>G. VCF-style: chr11-108272813-A-G. GRCh37 (hg19) VCF-style: chr11-108143540-A-G.
Other names: c.3245A>G, p.His1082Arg (NM_001351834.2); short protein forms H1082R.
Identifiers: ClinVar variation 524386 (VCV000524386.13), dbSNP rs1009749513, ClinGen allele CA228357977.

ClinVar aggregate classification (germline): Uncertain significance. Review status: criteria provided, multiple submitters, no conflicts (2 of 4 stars). 3 submissions from 3 submitters: Uncertain significance (2). 1 of the submissions does not count toward it. Last evaluated 2025-05-27.

Conditions:
Hereditary cancer-predisposing syndrome. Also called: Neoplastic Syndromes, Hereditary; Tumor predisposition; Hereditary Cancer Syndrome; Hereditary neoplastic syndrome. Identifiers: Orphanet 140162, MedGen C0027672, MeSH D009386, MONDO:0015356.
Ataxia-telangiectasia syndrome (AT). Also called: ATAXIA-TELANGIECTASIA, COMPLEMENTATION GROUP A; ATAXIA-TELANGIECTASIA, FRESNO VARIANT; Ataxia-telangiectasia; Ataxia-telangiectasia, complementation group D; AT, COMPLEMENTATION GROUP C; Ataxia-telangiectasia, complementation group E. Identifiers: Orphanet 100, MedGen C0004135, MONDO:0008840, OMIM 208900.

Submissions (3):

Labcorp Genetics (formerly Invitae), Labcorp
Classification: Uncertain significance for Ataxia-telangiectasia syndrome. Last evaluated: 2025-05-27. Review status: criteria provided, single submitter. Criteria: Invitae Variant Classification Sherloc (09022015). Collection method: clinical testing. Allele origin: germline.
Comment: This sequence change replaces histidine, which is basic and polar, with arginine, which is basic and polar, at codon 1082 of the ATM protein (p.His1082Arg). This variant is not present in population databases (gnomAD no frequency). This variant has not been reported in the literature in individuals affected with ATM-related conditions. ClinVar contains an entry for this variant (Variation ID: 524386). Invitae Evidence Modeling of protein sequence and biophysical properties (such as structural, functional, and spatial information, amino acid conservation, physicochemical variation, residue mobility, and thermodynamic stability) indicates that this missense variant is not expected to disrupt ATM protein function with a negative predictive value of 95%. In summary, the available evidence is currently insufficient to determine the role of this variant in disease. Therefore, it has been classified as a Variant of Uncertain Significance.

Ambry Genetics
Classification: Uncertain significance for Hereditary cancer-predisposing syndrome. Last evaluated: 2023-09-09. Review status: criteria provided, single submitter. Criteria: Ambry Variant Classification Scheme 2023. Collection method: clinical testing. Allele origin: germline.
Comment: The p.H1082R variant (also known as c.3245A>G), located in coding exon 21 of the ATM gene, results from an A to G substitution at nucleotide position 3245. The histidine at codon 1082 is replaced by arginine, an amino acid with highly similar properties. This amino acid position is well conserved in available vertebrate species. In addition, the in silico prediction for this alteration is inconclusive. Since supporting evidence is limited at this time, the clinical significance of this alteration remains unclear.

Natera, Inc.
Classification: Uncertain significance for Ataxia-telangiectasia. Last evaluated: 2020-10-22. Review status: no assertion criteria provided. Collection method: clinical testing. Allele origin: germline. Not counted in ClinVar's aggregate classification.